The following is an entry in ClinVar:

NM_199420.4(POLQ):c.2484G>T (p.Glu828Asp)

Gene: POLQ (DNA polymerase theta; minus strand). Cytogenetic location: 3q13.33.
Variant type: single nucleotide variant.
Coding change: c.2484G>T on transcript NM_199420.4 (MANE Select); coding-DNA position 2484, G replaced by T.
Protein change: p.Glu828Asp; replaces glutamic acid 828 with aspartic acid.
Molecular consequence: missense variant.
Genome position (GRCh38, 1-based): chr3:121,493,516, C>A on the plus strand (G>T on the coding strand, the complement: POLQ is on the minus strand). VCF-style: chr3-121493516-C-A. GRCh37 (hg19) VCF-style: chr3-121212363-C-A.
Other names: short protein forms E828D.
Identifiers: ClinVar variation 1791967 (VCV001791967.2), dbSNP rs1409421655, ClinGen allele CA354107349.

ClinVar aggregate classification (germline): Uncertain significance (1 of 4 stars; one submission).

Allele frequency attached by ClinVar (database versions not stated): TOPMed below 0.00001; gnomAD 0.00001.
gnomAD v4.1: 2 of 1,613,482 alleles (0.00012%); highest among the groups gnomAD compares: African/African-American, 0.0027%; no homozygotes.

Submission:

Ambry Genetics
Classification: Uncertain significance. Last evaluated: 2022-09-25. Review status: criteria provided, single submitter. Criteria: Ambry Variant Classification Scheme 2023. Collection method: clinical testing. Allele origin: germline.
Comment: The p.E828D variant (also known as c.2484G>T), located in coding exon 15 of the POLQ gene, results from a G to T substitution at nucleotide position 2484. The glutamic acid at codon 828 is replaced by aspartic acid, an amino acid with highly similar properties. This amino acid position is conserved. In addition, this alteration is predicted to be tolerated by in silico analysis. Since supporting evidence is limited at this time, the clinical significance of this alteration remains unclear.